The following is an entry in ClinVar:

ClinVar aggregate classification (germline): Uncertain significance (1 of 4 stars; one submission).

gnomAD v4.1: 1 of 1,614,080 alleles (0.000062%); highest among the groups gnomAD compares: African/African-American, 0.0013%; no homozygotes.

Submission:

GeneDx
Classification: Uncertain significance. Last evaluated: 2026-04-08. Review status: criteria provided, single submitter. Criteria: GeneDx Variant Classification Process June 2021. Collection method: clinical testing. Allele origin: germline.
Comment: Not observed at significant frequency in large population cohorts (gnomAD); In silico analysis suggests that this missense variant does not alter protein structure/function; Has not been previously published as pathogenic or benign to our knowledge

NM_001281775.3(ZMYND8):c.2176G>A (p.Asp726Asn)

Gene: ZMYND8 (zinc finger MYND-type containing 8; minus strand). Cytogenetic location: 20q13.12.
Variant type: single nucleotide variant.
Coding change: c.2176G>A on transcript NM_001281775.3 (MANE Select); coding-DNA position 2176, G replaced by A.
Protein change: p.Asp726Asn; replaces aspartic acid 726 with asparagine.
Molecular consequence: missense variant.
Genome position (GRCh38, 1-based): chr20:47,246,116, C>T on the plus strand (G>A on the coding strand, the complement: ZMYND8 is on the minus strand). VCF-style: chr20-47246116-C-T. GRCh37 (hg19) VCF-style: chr20-45874860-C-T.
Other names: c.2101G>A, p.Asp701Asn (NM_001281771.3, NM_001281777.3, NM_001281778.3 and 2 more transcripts); c.2116G>A, p.Asp706Asn (NM_001281772.3, NM_001281773.3, NM_001281774.3 and 1 more transcripts); c.2176G>A, p.Asp726Asn (NM_001281776.3, NM_001281783.3, NM_012408.6 and 1 more transcripts); c.1372G>A, p.Asp458Asn (NM_001281779.3, NM_001281780.3); c.1960G>A, p.Asp654Asn (NM_001281781.3, NM_001281784.3); c.2197G>A, p.Asp733Asn (NM_001363714.1); short protein forms D458N, D654N, D701N, D706N, D726N, D733N.
Identifiers: ClinVar variation 5018362 (VCV005018362.1).
Genomic context (GRCh38, chr20:47,246,116, plus strand): 5'-CCTCCCGCCCAGAATGGTCTTCTCCTAAATCTATGACAAGTTCGCTCTCTGAATCAGAGT[C>T]CAGGCCCAAATGGACTGTTGGGGAATCCGTCTCATCTTTTCCCTTCAGTTTATCCTTTAT-3'
Protein context (NP_001268704.1, residues 716-736): TDSPTVHLGL[Asp726Asn]SDSESELVID